The following is an entry in ClinVar:

ClinVar aggregate classification (germline): Likely pathogenic (0 of 4 stars; one submission).

Conditions:
POLR1B-related disorder. Also called: POLR1B-related condition.

Submission:

PreventionGenetics, part of Exact Sciences
Classification: Likely pathogenic for POLR1B-related condition. Last evaluated: 2024-09-08. Review status: no assertion criteria provided. Collection method: clinical testing. Allele origin: germline.
Comment: The POLR1B c.2177A>G variant is predicted to result in the amino acid substitution p.Gln726Arg. To our knowledge, this variant has not been reported in the literature or in a large population database, indicating this variant is rare. De novo variants in POLR1B gene have been reported in individuals with Treacher-Collins syndrome 4 (see, for example, Sanchez et al. 2020. PubMed ID: 31649276). This variant is interpreted as likely pathogenic.

NM_019014.6(POLR1B):c.2063A>G (p.Gln688Arg)

Gene: POLR1B (RNA polymerase I subunit B; plus strand). Cytogenetic location: 2q14.1.
Variant type: single nucleotide variant.
Coding change: c.2063A>G on transcript NM_019014.6 (MANE Select); coding-DNA position 2063, A replaced by G.
Protein change: p.Gln688Arg; replaces glutamine 688 with arginine.
Molecular consequence: missense variant.
Genome position (GRCh38, 1-based): chr2:112,568,891, A>G. VCF-style: chr2-112568891-A-G. GRCh37 (hg19) VCF-style: chr2-113326468-A-G.
Other names: c.1895A>G, p.Gln632Arg (NM_001137604.3); c.2177A>G, p.Gln726Arg (NM_001282772.2); c.1514A>G, p.Gln505Arg (NM_001282774.2); c.1430A>G, p.Gln477Arg (NM_001282776.2, NM_001371971.1); c.1646A>G, p.Gln549Arg (NM_001282777.2, NM_001282779.2, NM_001371970.1); c.2201A>G, p.Gln734Arg (NM_001371969.1); short protein forms Q477R, Q505R, Q549R, Q632R, Q688R, Q726R, Q734R.
Identifiers: ClinVar variation 3344482 (VCV003344482.1).